The following is an entry in ClinVar:

ClinVar aggregate classification (germline): Uncertain significance. Review status: criteria provided, single submitter (1 of 4 stars). 2 submissions from 2 submitters: Uncertain significance (1). 1 of the submissions does not count toward it. Last evaluated 2023-07-12.

Conditions:
GEMIN4-related disorder. Also called: GEMIN4-related condition.

Allele frequency attached by ClinVar (database versions not stated): gnomAD 0.00001; gnomAD exomes 0.00002; ExAC 0.00003; TOPMed 0.00003.
gnomAD v4.1: 33 of 1,612,816 alleles (0.002%); highest among the groups gnomAD compares: Middle Eastern, 0.016%; no homozygotes.

Submissions (2):

Ambry Genetics
Classification: Uncertain significance. Last evaluated: 2023-07-12. Review status: criteria provided, single submitter. Criteria: Ambry Variant Classification Scheme 2023. Collection method: clinical testing. Allele origin: germline.

PreventionGenetics, part of Exact Sciences
Classification: Uncertain significance for GEMIN4-related condition. Last evaluated: 2024-09-06. Review status: no assertion criteria provided. Collection method: clinical testing. Allele origin: germline. Not counted in ClinVar's aggregate classification.
Comment: The GEMIN4 c.247G>A variant is predicted to result in the amino acid substitution p.Val83Met. To our knowledge, this variant has not been reported in the literature. This variant is reported in 0.012% of alleles in individuals of African descent in gnomAD. At this time, the clinical significance of this variant is uncertain due to the absence of conclusive functional and genetic evidence.

NM_015721.3(GEMIN4):c.247G>A (p.Val83Met)

Gene: GEMIN4 (gem nuclear organelle associated protein 4; minus strand). Cytogenetic location: 17p13.3.
Variant type: single nucleotide variant.
Coding change: c.247G>A on transcript NM_015721.3 (MANE Select); coding-DNA position 247, G replaced by A.
Protein change: p.Val83Met; replaces valine 83 with methionine.
Molecular consequence: missense variant.
Genome position (GRCh38, 1-based): chr17:747,796, C>T on the plus strand (G>A on the coding strand, the complement: GEMIN4 is on the minus strand). VCF-style: chr17-747796-C-T. GRCh37 (hg19) VCF-style: chr17-651036-C-T.
Other names: short protein forms V83M.
Identifiers: ClinVar variation 2594875 (VCV002594875.3), dbSNP rs778610719, ClinGen allele CA8262932.